The following is an entry in ClinVar:

ClinVar aggregate classification (germline): Uncertain significance (1 of 4 stars; one submission).

Submission:

GeneDx
Classification: Uncertain significance. Last evaluated: 2019-05-03. Review status: criteria provided, single submitter. Criteria: GeneDx Variant Classification Process June 2021. Collection method: clinical testing. Allele origin: germline. Affected: yes.
Comment: Not observed in large population cohorts (Lek et al., 2016); In silico analysis, which includes protein predictors and evolutionary conservation, supports a deleterious effect; Has not been previously published as pathogenic or benign to our knowledge

NM_001190737.2(NFIB):c.1121T>C (p.Leu374Pro)

Gene: NFIB (nuclear factor I B; minus strand). Cytogenetic location: 9p23.
Variant type: single nucleotide variant.
Coding change: c.1121T>C on transcript NM_001190737.2 (MANE Select); coding-DNA position 1121, T replaced by C.
Protein change: p.Leu374Pro; replaces leucine 374 with proline.
Molecular consequence: missense variant. On other transcripts: non-coding transcript variant (4).
Genome position (GRCh38, 1-based): chr9:14,120,564, A>G on the plus strand (T>C on the coding strand, the complement: NFIB is on the minus strand). VCF-style: chr9-14120564-A-G. GRCh37 (hg19) VCF-style: chr9-14120563-A-G.
Other names: c.1199T>C, p.Leu400Pro (NM_001190738.2); c.365T>C, p.Leu122Pro (NM_001282787.2); c.1187T>C, p.Leu396Pro (NM_001369458.1, NM_001369459.1, NM_001369462.1 and 1 more transcripts); c.1109T>C, p.Leu370Pro (NM_001369460.1, NM_001369463.1, NM_001369466.1 and 1 more transcripts); c.1121T>C, p.Leu374Pro (NM_001369461.1, NM_001369464.1, NM_005596.3); c.1094T>C, p.Leu365Pro (NM_001369465.1, NM_001369467.1, NM_001369476.1); c.977T>C, p.Leu326Pro (NM_001369469.1); c.884T>C, p.Leu295Pro (NM_001369470.1, NM_001369478.1); and 6 more; short protein forms L122P, L195P, L295P, L299P, L326P, L355P, L365P, L368P.
Identifiers: ClinVar variation 1305543 (VCV001305543.2), dbSNP rs2119151075, ClinGen allele CA373092044.